The following is an entry in ClinVar:

ClinVar aggregate classification (germline): Uncertain significance. Review status: criteria provided, multiple submitters, no conflicts (2 of 4 stars). 2 submissions from 2 submitters: Uncertain significance (2). Last evaluated 2026-05-14.

Conditions:
Inborn genetic diseases. Identifiers: MedGen C0950123, MeSH D030342.
Pitt-Hopkins syndrome (PTHS). Also called: ENCEPHALOPATHY, SEVERE EPILEPTIC, WITH AUTONOMIC DYSFUNCTION; MENTAL RETARDATION, SYNDROMAL, WITH INTERMITTENT HYPERVENTILATION. Identifiers: Orphanet 2896, MedGen C1970431, MONDO:0012589, OMIM 610954.

Allele frequency attached by ClinVar (database versions not stated): gnomAD 0.00001.
gnomAD v4.1: 1 of 1,613,352 alleles (0.000062%); highest among the groups gnomAD compares: Non-Finnish European, 0.000085%; no homozygotes.

Submissions (2):

Ambry Genetics
Classification: Uncertain significance for Inborn genetic diseases. Last evaluated: 2026-05-14. Review status: criteria provided, single submitter. Criteria: Ambry Variant Classification Scheme 2023. Collection method: clinical testing. Allele origin: germline.
Comment: The c.487A>G (p.S163G) alteration is located in exon 7 (coding exon 6) of the TCF4 gene. This alteration results from a A to G substitution at nucleotide position 487, causing the serine (S) at amino acid position 163 to be replaced by a glycine (G). Based on data from gnomAD, the G allele has an overall frequency of 0.003% (1/31392) total alleles studied. The highest observed frequency was 0.007% (1/15422) of European (non-Finnish) alleles. Based on insufficient or conflicting evidence, the clinical significance of this alteration remains unclear.

Labcorp Genetics (formerly Invitae), Labcorp
Classification: Uncertain significance for Pitt-Hopkins syndrome. Last evaluated: 2021-06-28. Review status: criteria provided, single submitter. Criteria: Invitae Variant Classification Sherloc (09022015). Collection method: clinical testing. Allele origin: germline.
Comment: Algorithms developed to predict the effect of missense changes on protein structure and function (SIFT, PolyPhen-2, Align-GVGD) all suggest that this variant is likely to be tolerated. In summary, the available evidence is currently insufficient to determine the role of this variant in disease. Therefore, it has been classified as a Variant of Uncertain Significance. This variant has not been reported in the literature in individuals affected with TCF4-related conditions. This variant is not present in population databases (ExAC no frequency). This sequence change replaces serine with glycine at codon 163 of the TCF4 protein (p.Ser163Gly). The serine residue is moderately conserved and there is a small physicochemical difference between serine and glycine.

NM_001083962.2(TCF4):c.487A>G (p.Ser163Gly)

Gene: TCF4 (transcription factor 4; minus strand). Cytogenetic location: 18q21.2.
Variant type: single nucleotide variant.
Coding change: c.487A>G on transcript NM_001083962.2 (MANE Select); coding-DNA position 487, A replaced by G.
Protein change: p.Ser163Gly; replaces serine 163 with glycine.
Molecular consequence: missense variant.
Genome position (GRCh38, 1-based): chr18:55,350,886, T>C on the plus strand (A>G on the coding strand, the complement: TCF4 is on the minus strand). VCF-style: chr18-55350886-T-C. GRCh37 (hg19) VCF-style: chr18-53018117-T-C.
Other names: c.487A>G, p.Ser163Gly (NM_001369568.1, NM_001369571.1, NM_001369572.1 and 5 more transcripts); c.484A>G, p.Ser162Gly (NM_001369569.1, NM_001369570.1, NM_001369573.1); c.415A>G, p.Ser139Gly (NM_001369575.1, NM_001369577.1, NM_001243227.2 and 9 more transcripts); c.412A>G, p.Ser138Gly (NM_001369576.1, NM_001348220.1, NM_001369578.1 and 3 more transcripts); c.487A>G (NM_001083962.1); c.793A>G, p.Ser265Gly (NM_001243226.3); c.481A>G, p.Ser161Gly (NM_001243230.2); c.361A>G, p.Ser121Gly (NM_001243231.2, NM_001348211.2); and 2 more; short protein forms S121G, S162G, S161G, S163G, S265G, S138G, S139G, S33G.
Identifiers: ClinVar variation 1435778 (VCV001435778.9), dbSNP rs1474917865, ClinGen allele CA402702475.